The following is an entry in ClinVar:

ClinVar aggregate classification (germline): Uncertain significance (1 of 4 stars; one submission).

gnomAD v4.1: 1 of 1,614,060 alleles (0.000062%); highest among the groups gnomAD compares: South Asian, 0.0011%; no homozygotes.

Submission:

Mayo Clinic Laboratories, Mayo Clinic
Classification: Uncertain significance. Last evaluated: 2025-12-10. Review status: criteria provided, single submitter. Criteria: ACMG Guidelines, 2015. Collection method: clinical testing. Allele origin: germline. Observed: 1 variant allele.
Comment: BP4_moderate, PM2_supporting

NM_001267550.2(TTN):c.9116C>G (p.Thr3039Ser)

Gene: TTN (titin; minus strand). Cytogenetic location: 2q31.2.
Variant type: single nucleotide variant.
Coding change: c.9116C>G on transcript NM_001267550.2 (MANE Select); coding-DNA position 9116, C replaced by G.
Protein change: p.Thr3039Ser; replaces threonine 3039 with serine.
Molecular consequence: missense variant.
Genome position (GRCh38, 1-based): chr2:178,768,720, G>C on the plus strand (C>G on the coding strand, the complement: TTN is on the minus strand). VCF-style: chr2-178768720-G-C. GRCh37 (hg19) VCF-style: chr2-179633447-G-C.
Other names: p.Thr3039Ser; c.9116C>G, p.Thr3039Ser (NM_001256850.1, NM_133378.4, NM_133379.5); c.8978C>G, p.Thr2993Ser (NM_003319.4, NM_133432.3, NM_133437.4); short protein forms T2993S, T3039S.
Identifiers: ClinVar variation 4540766 (VCV004540766.1).
Genomic context (GRCh38, chr2:178,768,720, plus strand): 5'-TATGAAACCATACCTTCCACATAAAGTGTGGCTGTTGATGTTGCTTTTCCAGCCACAAAG[G>C]TGTAGTCAGCAGCATCCCCAAAGTGAACATTCCTGATGTTCAGTGAGTGTGTGAGCTTTT-3'
Protein context (NP_001254479.2, residues 3029-3049): NVHFGDAADY[Thr3039Ser]FVAGKATSTA